The following is an entry in ClinVar:

NM_001369.3(DNAH5):c.5556del (p.Asp1852fs)

Gene: DNAH5 (dynein axonemal heavy chain 5; minus strand). Cytogenetic location: 5p15.2.
Variant type: Deletion.
Coding change: c.5556del on transcript NM_001369.3 (MANE Select); coding-DNA position 5556, one base deleted (T; older notation c.5556delT).
Protein change: p.Asp1852fs; shifts the reading frame from aspartic acid 1852.
Molecular consequence: frameshift variant.
Genome position (GRCh38, 1-based): chr5:13,841,059, A deleted on the plus strand (T on the coding strand, the reverse complement: DNAH5 is on the minus strand). VCF-style (leftmost placement, unchanged base first): chr5-13841058-TA-T. GRCh37 (hg19) VCF-style: chr5-13841167-TA-T.
Other names: p.Asp1852Glufs*19; c.5556del (NM_001369.2); short protein forms D1852fs.
Identifiers: ClinVar variation 3591780 (VCV003591780.3).

ClinVar aggregate classification (germline): Pathogenic/Likely pathogenic. Review status: criteria provided, multiple submitters, no conflicts (2 of 4 stars). 3 submissions from 3 submitters: Pathogenic (2); Likely pathogenic (1). Last evaluated 2025-09-23.

Conditions:
Primary ciliary dyskinesia 3. Identifiers: Orphanet 244, MedGen C1837618, MONDO:0012085, OMIM 608644.

Submissions (3):

Mayo Clinic Laboratories, Mayo Clinic
Classification: Pathogenic. Last evaluated: 2025-09-23. Review status: criteria provided, single submitter. Criteria: ACMG Guidelines, 2015. Collection method: clinical testing. Allele origin: germline. Observed: 1 variant allele.
Comment: PM2_supporting, PM3_supporting, PVS1

Fulgent Genetics
Classification: Likely pathogenic for Primary ciliary dyskinesia 3. Last evaluated: 2024-06-05. Review status: criteria provided, single submitter. Criteria: ACMG Guidelines, 2015. Collection method: clinical testing. Allele origin: germline.

Myriad Genetics, Inc.
Classification: Pathogenic for Primary ciliary dyskinesia 3. Last evaluated: 2023-09-17. Review status: criteria provided, single submitter. Criteria: Myriad Autosomal Dominant, Autosomal Recessive and X-Linked Classification Criteria (2023). Collection method: clinical testing. Allele origin: unknown.
Comment: NM_001369.2(DNAH5):c.5556delT(D1852Efs*19) is expected to be pathogenic in the context of primary ciliary dyskinesia, DNAH5-related. This variant is predicted to lead to an abnormal or absent protein product due to the creation of a premature termination codon in DNAH5, a gene where loss-of-function variants are known to be pathogenic. Please note: this variant was assessed in the context of healthy population screening.